The following is an entry in ClinVar:

ClinVar aggregate classification (germline): Benign (1 of 4 stars; one submission).

Allele frequency attached by ClinVar (database versions not stated): gnomAD 0.54212 and 0.54166; 1000 Genomes Project 30x 0.48829; TOPMed 0.53621; 1000 Genomes Project 0.48842.
gnomAD v4.1: 82,426 of 151,946 alleles (54%); highest among the groups gnomAD compares: Admixed American, 64%; 23,505 homozygotes.

Submissions (2):

GeneDx
Classification: Benign. Last evaluated: 2018-06-14. Review status: criteria provided, single submitter. Criteria: GeneDx Variant Classification (06012015). Collection method: clinical testing. Allele origin: germline. Affected: yes.
Comment: This variant is considered likely benign or benign based on one or more of the following criteria: it is a conservative change, it occurs at a poorly conserved position in the protein, it is predicted to be benign by multiple in silico algorithms, and/or has population frequency not consistent with disease.

Dr. Peter K. Rogan Lab, Western University
No classification provided (evidence only). Condition: Cholangiocarcinoma. Review status: no classification provided. Collection method: in vitro. Allele origin: not applicable. Functional consequence: retained intron. Not counted in ClinVar's aggregate classification.

NM_006846.4(SPINK5):c.2113-227T>G

Gene: SPINK5 (serine peptidase inhibitor Kazal type 5; plus strand). Cytogenetic location: 5q32.
Variant type: single nucleotide variant.
Coding change: c.2113-227T>G on transcript NM_006846.4 (MANE Select); 227 bases into the intron before coding-DNA position 2113, T replaced by G.
Molecular consequence: intron variant.
Genome position (GRCh38, 1-based): chr5:148,118,210, T>G. VCF-style: chr5-148118210-T-G. GRCh37 (hg19) VCF-style: chr5-147497773-T-G.
Other names: NC_000005.9:g.147497773T>G; c.2113-227T>G (NM_001127698.2, NM_001127699.2).
Identifiers: ClinVar variation 677137 (VCV000677137.2), dbSNP rs3777136, ClinGen allele CA128935078.